The following is an entry in ClinVar:

ClinVar aggregate classification (germline): Uncertain significance. Review status: criteria provided, multiple submitters, no conflicts (2 of 4 stars). 2 submissions from 2 submitters: Uncertain significance (2). Last evaluated 2025-03-19.

Conditions:
Medulloblastoma (MDB). Also called: MEDULLOBLASTOMA PREDISPOSITION SYNDROME; Medulloblastoma, somatic. Identifiers: Orphanet 616, MedGen C0025149, MeSH D008527, MONDO:0007959, OMIM 155255, HP:0002885.
Gorlin syndrome. Also called: Nevoid Basal Cell Carcinoma Syndrome; Basal cell nevus syndrome. Identifiers: Orphanet 377, MedGen C0004779, MONDO:0007187.
Hereditary cancer-predisposing syndrome. Also called: Hereditary neoplastic syndrome; Neoplastic Syndromes, Hereditary; Hereditary Cancer Syndrome; Tumor predisposition. Identifiers: Orphanet 140162, MedGen C0027672, MeSH D009386, MONDO:0015356.

Allele frequency attached by ClinVar (database versions not stated): gnomAD exomes below 0.00001; TOPMed below 0.00001; ExAC 0.00001; gnomAD 0.00001.
gnomAD v4.1: 6 of 1,614,008 alleles (0.00037%); highest among the groups gnomAD compares: Non-Finnish European, 0.00051%; no homozygotes.

Submissions (2):

Ambry Genetics
Classification: Uncertain significance for Hereditary cancer-predisposing syndrome. Last evaluated: 2025-03-19. Review status: criteria provided, single submitter. Criteria: Ambry Variant Classification Scheme 2023. Collection method: clinical testing. Allele origin: germline.
Comment: The p.V201A variant (also known as c.602T>C), located in coding exon 5 of the SUFU gene, results from a T to C substitution at nucleotide position 602. The valine at codon 201 is replaced by alanine, an amino acid with similar properties. This amino acid position is conserved. In addition, this alteration is predicted to be deleterious by in silico analysis. Since supporting evidence is limited at this time, the clinical significance of this alteration remains unclear.

Labcorp Genetics (formerly Invitae), Labcorp
Classification: Uncertain significance for Gorlin syndrome; Medulloblastoma. Last evaluated: 2024-06-23. Review status: criteria provided, single submitter. Criteria: Invitae Variant Classification Sherloc (09022015). Collection method: clinical testing. Allele origin: germline.
Comment: This sequence change replaces valine, which is neutral and non-polar, with alanine, which is neutral and non-polar, at codon 201 of the SUFU protein (p.Val201Ala). This variant is present in population databases (rs772840788, gnomAD 0.0009%). This variant has not been reported in the literature in individuals affected with SUFU-related conditions. ClinVar contains an entry for this variant (Variation ID: 1391158). Advanced modeling of protein sequence and biophysical properties (such as structural, functional, and spatial information, amino acid conservation, physicochemical variation, residue mobility, and thermodynamic stability) has been performed at Invitae for this missense variant, however the output from this modeling did not meet the statistical confidence thresholds required to predict the impact of this variant on SUFU protein function. In summary, the available evidence is currently insufficient to determine the role of this variant in disease. Therefore, it has been classified as a Variant of Uncertain Significance.

NM_016169.4(SUFU):c.602T>C (p.Val201Ala)

Gene: SUFU (SUFU negative regulator of hedgehog signaling; plus strand). Cytogenetic location: 10q24.32.
Variant type: single nucleotide variant.
Coding change: c.602T>C on transcript NM_016169.4 (MANE Select); coding-DNA position 602, T replaced by C.
Protein change: p.Val201Ala; replaces valine 201 with alanine.
Molecular consequence: missense variant.
Genome position (GRCh38, 1-based): chr10:102,593,640, T>C. VCF-style: chr10-102593640-T-C. GRCh37 (hg19) VCF-style: chr10-104353397-T-C.
Other names: c.602T>C, p.Val201Ala (NM_001178133.2); c.602T>C (NM_016169.3); short protein forms V201A.
Identifiers: ClinVar variation 1391158 (VCV001391158.10), dbSNP rs772840788, ClinGen allele CA5667732.